The following is an entry in ClinVar:

NM_000059.4(BRCA2):c.1774del (p.Tyr592fs)

Gene: BRCA2 (BRCA2 DNA repair associated; plus strand). Cytogenetic location: 13q13.1.
Variant type: Deletion.
Coding change: c.1774del on transcript NM_000059.4 (MANE Select); coding-DNA position 1774, one base deleted (T; older notation c.1774delT).
Protein change: p.Tyr592fs; shifts the reading frame from tyrosine 592.
Molecular consequence: frameshift variant.
Genome position (GRCh38, 1-based): chr13:32,333,252, T deleted; the last of 3 consecutive T bases (chr13:32,333,250-32,333,252); deleting any one gives the same sequence. VCF-style (leftmost placement, unchanged base first): chr13-32333249-AT-A. GRCh37 (hg19) VCF-style: chr13-32907386-AT-A.
Other names: c.1774delT (NM_000059.3); short protein forms Y592fs.
Identifiers: ClinVar variation 576920 (VCV000576920.12), dbSNP rs1566224293, ClinGen allele CA891843621.

ClinVar aggregate classification (germline): Pathogenic/Likely pathogenic. Review status: criteria provided, multiple submitters, no conflicts (2 of 4 stars). 4 submissions from 4 submitters: Pathogenic (2); Likely pathogenic (2). Last evaluated 2025-08-19.

Conditions:
Hereditary breast ovarian cancer syndrome. Also called: Hereditary breast and ovarian cancer; Breast and ovarian cancer; Hereditary breast and ovarian cancer syndrome; BRCA1- and BRCA2-Associated Hereditary Breast and Ovarian Cancer; Hereditary breast and/or ovarian cancer syndrome; Hereditary breast and ovarian cancer syndrome (HBOC). Identifiers: Orphanet 145, MedGen C0677776, MeSH D061325, MONDO:0003582. Disease mechanism: loss of function.
Hereditary cancer-predisposing syndrome. Also called: Tumor predisposition; Hereditary neoplastic syndrome; Hereditary Cancer Syndrome; Neoplastic Syndromes, Hereditary. Identifiers: Orphanet 140162, MedGen C0027672, MeSH D009386, MONDO:0015356.
Familial cancer of breast. Also called: hereditary breast carcinoma; BREAST CANCER, FAMILIAL; Hereditary breast cancer. Identifiers: Orphanet 227535, MedGen C0346153, MONDO:0016419, OMIM 114480. Disease mechanism: loss of function.

Submissions (4):

Labcorp Genetics (formerly Invitae), Labcorp
Classification: Pathogenic for Hereditary breast ovarian cancer syndrome. Last evaluated: 2025-08-19. Review status: criteria provided, single submitter. Criteria: Invitae Variant Classification Sherloc (09022015). Collection method: clinical testing. Allele origin: germline.
Comment: This sequence change creates a premature translational stop signal (p.Tyr592Metfs*22) in the BRCA2 gene. It is expected to result in an absent or disrupted protein product. Loss-of-function variants in BRCA2 are known to be pathogenic (PMID: 20104584). This variant is not present in population databases (gnomAD no frequency). This variant has not been reported in the literature in individuals affected with BRCA2-related conditions. ClinVar contains an entry for this variant (Variation ID: 576920). For these reasons, this variant has been classified as Pathogenic.

Ambry Genetics
Classification: Pathogenic for Hereditary cancer-predisposing syndrome. Last evaluated: 2025-03-13. Review status: criteria provided, single submitter. Criteria: Ambry Variant Classification Scheme 2023. Collection method: clinical testing. Allele origin: germline.
Comment: The c.1774delT pathogenic mutation, located in coding exon 9 of the BRCA2 gene, results from a deletion of one nucleotide at nucleotide position 1774, causing a translational frameshift with a predicted alternate stop codon (p.Y592Mfs*22). This variant is considered to be rare based on population cohorts in the Genome Aggregation Database (gnomAD). This alteration is expected to result in loss of function by premature protein truncation or nonsense-mediated mRNA decay. As such, this alteration is interpreted as a disease-causing mutation.

Baylor Genetics
Classification: Likely pathogenic for Familial cancer of breast. Last evaluated: 2022-05-10. Review status: criteria provided, single submitter. Criteria: ACMG Guidelines, 2015. Collection method: clinical testing. Allele origin: unknown.

Sema4
Classification: Likely pathogenic for Hereditary cancer-predisposing syndrome. Last evaluated: 2022-02-05. Review status: criteria provided, single submitter. Criteria: Sema4 Curation Guidelines. Collection method: curation. Allele origin: germline.
Comment: The BRCA2 c.1774delT (p.Y592MfsX22) variant has not been reported in the literature to our knowledge. This variant causes a frameshift at amino acid 592 that results in premature termination 22 amino acids downstream. At this location, this is predicted to cause nonsense-mediated decay and result in an absent protein (loss of function). Loss of function variants in BRCA2 are known to be pathogenic (PMID: 29446198). This variant is not reported in the Genome Aggregation Database (PMID: 32461654). This variant has been reported in ClinVar (Variation ID: 576920). Based on the current evidence available, this variant is interpreted as likely pathogenic.

Literature cited by the submitters: PubMed 20104584 (cited by Labcorp Genetics (formerly Invitae), Labcorp); PubMed 29446198 (cited by Sema4).